The following is an entry in ClinVar:

ClinVar aggregate classification (germline): Likely pathogenic. Review status: reviewed by expert panel (3 of 4 stars). 5 submissions from 5 submitters: Likely pathogenic (1). 4 of the submissions do not count toward it. Last evaluated 2025-08-01.

Conditions:
Malignant hyperthermia, susceptibility to, 1 (MHS1). Also called: RYR1-Related Malignant Hyperthermia Susceptibility; Anesthesia related hyperthermia; Malignant hyperpyrexia; Fulminating hyperpyrexia; Pharmacogenic myopathy; Malignant hyperthermia suceptibility 1. Identifiers: Orphanet 423, MedGen C2930980, MONDO:0007783, OMIM 145600.
RYR1-related disorder. Also called: RYR1-related condition; RYR1-related disorders. Identifiers: MedGen CN239331.

Submissions (5):

ClinGen Malignant Hyperthermia Susceptibility Variant Curation Expert Panel, ClinGen
Classification: Likely pathogenic for Malignant hyperthermia, susceptibility to, 1. Last evaluated: 2025-08-01. Review status: reviewed by expert panel. Criteria: RYR1-MHS Interpretation Guidelines V2. Collection method: curation. Allele origin: germline. Inheritance: Autosomal dominant inheritance.
Comment: This pathogenicity assessment is relevant only for malignant hyperthermia susceptibility (MHS) inherited in an autosomal dominant pattern. Variants in RYR1 can also cause other myopathies inherited in an autosomal dominant pattern or in an autosomal recessive pattern. Some of these disorders may predispose individuals to malignant hyperthermia. RYR1 variants may also contribute to a malignant hyperthermia reaction in combination with other genetic and non-genetic factors and the clinician needs to consider such factors in making management decisions. This sequence variant predicts a substitution of arginine with leucine at codon 2163 of the RYR1 protein, p.(Arg2163Leu). This variant was not present in a large population database (gnomAD) at the time this variant was interpreted. This variant has been reported in two individuals with personal or family history of an MH episode without positive in vitro contracture test (IVCT) or caffeine halothane contracture test (CHCT) results, PS4_Sup (PMID: 32919876, personal communication). No functional studies were identified for this variant. Another variant assessed as pathogenic occurs at this codon, p.(Arg2163His), PM5. This variant resides in a region of RYR1 considered to be a hotspot for pathogenic variants that contribute to MHS, use PM1_Supporting to avoid overweighting with PM5 (PMID: 21118704). A REVEL score >0.85 (0.926) supports a pathogenic status for this variant, PP3_Moderate. This variant has been classified as a Likely Pathogenic. Criteria implemented: PS4_Sup, PM1_Sup, PM5, PP3_Moderate.

GeneDx
Classification: Likely pathogenic. Last evaluated: 2025-04-29. Review status: criteria provided, single submitter. Criteria: GeneDx Variant Classification Process June 2021. Collection method: clinical testing. Allele origin: germline. Not counted in ClinVar's aggregate classification.
Comment: Not observed at significant frequency in large population cohorts (gnomAD); In silico analysis supports that this missense variant has a deleterious effect on protein structure/function; This variant is associated with the following publications: (PMID: 12668474, 33767344, 37496383, 32919876, 12124989, 9497245)

Labcorp Genetics (formerly Invitae), Labcorp
Classification: Likely pathogenic for RYR1-related disorder. Last evaluated: 2024-09-19. Review status: criteria provided, single submitter. Criteria: Invitae Variant Classification Sherloc (09022015). Collection method: clinical testing. Allele origin: germline. Not counted in ClinVar's aggregate classification.
Comment: This sequence change replaces arginine, which is basic and polar, with leucine, which is neutral and non-polar, at codon 2163 of the RYR1 protein (p.Arg2163Leu). This variant is not present in population databases (gnomAD no frequency). This missense change has been observed in individual(s) with autosomal dominant malignant hyperthermia (PMID: 32919876). ClinVar contains an entry for this variant (Variation ID: 590571). Invitae Evidence Modeling of protein sequence and biophysical properties (such as structural, functional, and spatial information, amino acid conservation, physicochemical variation, residue mobility, and thermodynamic stability) indicates that this missense variant is expected to disrupt RYR1 protein function with a positive predictive value of 95%. This variant disrupts the p.Arg2163 amino acid residue in RYR1. Other variant(s) that disrupt this residue have been determined to be pathogenic (PMID: 9497245, 9873004, 12124989, 12732639). This suggests that this residue is clinically significant, and that variants that disrupt this residue are likely to be disease-causing. In summary, the currently available evidence indicates that the variant is pathogenic, but additional data are needed to prove that conclusively. Therefore, this variant has been classified as Likely Pathogenic.

New York Genome Center
Classification: Likely pathogenic for Malignant hyperthermia, susceptibility to, 1. Last evaluated: 2024-03-06. Review status: criteria provided, single submitter. Criteria: NYGC Assertion Criteria 2020. Collection method: clinical testing. Allele origin: inherited. Observed: 1 variant allele, 1 heterozygote. Not counted in ClinVar's aggregate classification.
Comment: The inherited heterozygous c.6488G>T p.(Arg2163Leu) variant identified in the RYR1 gene has previously been reported in an individual with malignant hyperthermia [PMID: 32919876] and has been deposited in ClinVar as Likely Pathogenic by multiple submitters including the Malignant Hyperthermia Susceptibility Variant Curation Expert Panel [Variation ID: 590571]. The c.6488G>T variant is absent from population databases (gnomADv4.0.0,TOPMed Freeze 10, All of Us), suggesting it is not a common benign variant in the populations represented in those databases. The c.6488G>T is predicted to replace an evolutionary conserved arginine amino acid with leucine p.(Arg2163Leu). The p.Arg2163 is specified as a hot spot for variation [PMID: 33767344] and several other missense variants affecting the same residue have been reported [ClinVar Variation IDs: 133159, 12974, 12973]. In silico predictions are in favor of a damaging effect for the p.(Arg2163Leu) variant [REVEL = 0.926]. Based on available evidence, this heterozygous inherited c.6488G>T p.(Arg2163Leu)variant identified in the RYR1 gene is classified as Likely Pathogenic.

PreventionGenetics, part of Exact Sciences
Classification: Likely pathogenic. Last evaluated: 2015-07-17. Review status: criteria provided, single submitter. Criteria: ACMG Guidelines, 2015. Collection method: clinical testing. Allele origin: germline. Not counted in ClinVar's aggregate classification.

Literature cited by the submitters: PubMed 32919876 (cited by Labcorp Genetics (formerly Invitae), Labcorp and New York Genome Center); PubMed 9497245 (cited by Labcorp Genetics (formerly Invitae), Labcorp); PubMed 9873004 (cited by Labcorp Genetics (formerly Invitae), Labcorp); PubMed 12124989 (cited by Labcorp Genetics (formerly Invitae), Labcorp); PubMed 12732639 (cited by Labcorp Genetics (formerly Invitae), Labcorp).

NM_000540.3(RYR1):c.6488G>T (p.Arg2163Leu)

Gene: RYR1 (ryanodine receptor 1; plus strand). Cytogenetic location: 19q13.2.
Variant type: single nucleotide variant.
Coding change: c.6488G>T on transcript NM_000540.3 (MANE Select); coding-DNA position 6488, G replaced by T.
Protein change: p.Arg2163Leu; replaces arginine 2163 with leucine.
Molecular consequence: missense variant.
Genome position (GRCh38, 1-based): chr19:38,494,565, G>T. VCF-style: chr19-38494565-G-T. GRCh37 (hg19) VCF-style: chr19-38985205-G-T.
Other names: NM_000540.2(RYR1):c.6488G>T; p.Arg2163Leu; c.6488G>T, p.Arg2163Leu (NM_001042723.2); short protein forms R2163L.
Identifiers: ClinVar variation 590571 (VCV000590571.10), dbSNP rs118192163, ClinGen allele CA405664296.